The following is an entry in ClinVar:

ClinVar aggregate classification (germline): Benign. Review status: criteria provided, single submitter (1 of 4 stars). 2 submissions from 2 submitters: Benign (1). 1 of the submissions does not count toward it. Last evaluated 2025-12-09.

Conditions:
KMT2D-related disorder. Also called: KMT2D-Related Disorders.
Kabuki syndrome. Also called: NIIKAWA-KUROKI SYNDROME; Kabuki make-up syndrome. Identifiers: Orphanet 2322, MedGen C0796004, MONDO:0016512.

Allele frequency attached by ClinVar (database versions not stated): gnomAD exomes below 0.00001; TOPMed below 0.00001; gnomAD 0.00001.
gnomAD v4.1: 4 of 1,602,220 alleles (0.00025%); highest among the groups gnomAD compares: Non-Finnish European, 0.00026%; no homozygotes.

Submissions (2):

Labcorp Genetics (formerly Invitae), Labcorp
Classification: Benign for Kabuki syndrome. Last evaluated: 2025-12-09. Review status: criteria provided, single submitter. Criteria: Invitae Variant Classification Sherloc (09022015). Collection method: clinical testing. Allele origin: germline.

PreventionGenetics, part of Exact Sciences
Classification: Uncertain significance for KMT2D-related condition. Last evaluated: 2023-12-13. Review status: no assertion criteria provided. Collection method: clinical testing. Allele origin: germline. Not counted in ClinVar's aggregate classification.
Comment: The KMT2D c.12910C>T variant is predicted to result in the amino acid substitution p.Pro4304Ser. To our knowledge, this variant has not been reported in the literature. This variant is reported in 0.0049% of alleles in individuals of European (Finnish) descent in gnomAD. At this time, the clinical significance of this variant is uncertain due to the absence of conclusive functional and genetic evidence.

NM_003482.4(KMT2D):c.12910C>T (p.Pro4304Ser)

Gene: KMT2D (lysine methyltransferase 2D; minus strand). Cytogenetic location: 12q13.12.
Variant type: single nucleotide variant.
Coding change: c.12910C>T on transcript NM_003482.4 (MANE Select); coding-DNA position 12910, C replaced by T.
Protein change: p.Pro4304Ser; replaces proline 4304 with serine.
Molecular consequence: missense variant.
Genome position (GRCh38, 1-based): chr12:49,031,795, G>A on the plus strand (C>T on the coding strand, the complement: KMT2D is on the minus strand). VCF-style: chr12-49031795-G-A. GRCh37 (hg19) VCF-style: chr12-49425578-G-A.
Other names: short protein forms P4304S.
Identifiers: ClinVar variation 3045078 (VCV003045078.4), dbSNP rs1310000069, ClinGen allele CA384708625.